The following is an entry in ClinVar:

ClinVar aggregate classification (germline): Pathogenic (1 of 4 stars; one submission).

Conditions:
Fetal akinesia deformation sequence 1 (FADS1). Also called: Fetal akinesia sequence; Pena-Shokeir syndrome type I. Identifiers: Orphanet 994, MedGen C1276035, MONDO:0100101, OMIM 208150, HP:0001989.
Congenital myasthenic syndrome 9. Also called: Myasthenic syndrome, congenital, 9, associated with acetylcholine receptor deficiency. Identifiers: Orphanet 590, MedGen C4225368, MONDO:0014587, OMIM 616325.

Submission:

Labcorp Genetics (formerly Invitae), Labcorp
Classification: Pathogenic for Congenital myasthenic syndrome 9; Fetal akinesia deformation sequence 1. Last evaluated: 2024-02-02. Review status: criteria provided, single submitter. Criteria: Invitae Variant Classification Sherloc (09022015). Collection method: clinical testing. Allele origin: germline.
Comment: This sequence change creates a premature translational stop signal (p.Leu544Phefs*5) in the MUSK gene. It is expected to result in an absent or disrupted protein product. Loss-of-function variants in MUSK are known to be pathogenic (PMID: 8653786, 25612909, 25695962, 25900532). This variant is present in population databases (no rsID available, gnomAD 0.006%). This variant has not been reported in the literature in individuals affected with MUSK-related conditions. Algorithms developed to predict the effect of sequence changes on RNA splicing suggest that this variant may disrupt the consensus splice site. For these reasons, this variant has been classified as Pathogenic.

Literature cited by the submitters: PubMed 8653786; PubMed 25612909; PubMed 25695962; PubMed 25900532.

NM_005592.4(MUSK):c.1628_1631dup (p.Leu544fs)

Gene: MUSK (muscle associated receptor tyrosine kinase; plus strand). Cytogenetic location: 9q31.3.
Variant type: Duplication.
Coding change: c.1628_1631dup on transcript NM_005592.4 (MANE Select); coding-DNA positions 1628 to 1631, 4 bases duplicated (TCTT; older notation c.1628_1631dupTCTT).
Protein change: p.Leu544fs; shifts the reading frame from leucine 544.
Molecular consequence: frameshift variant.
Genome position (GRCh38, 1-based): chr9:110,785,568-110,785,571, TCTT duplicated. VCF-style (leftmost placement, unchanged base first): chr9-110785567-C-CTCTT. GRCh37 (hg19) VCF-style: chr9-113547847-C-CTCTT.
Other names: c.1370_1373dup, p.Leu458fs (NM_001166280.2); c.1340_1343dup, p.Leu448fs (NM_001166281.2); c.368_371dup, p.Leu124fs (NM_001369398.1); short protein forms L124fs, L448fs, L458fs, L544fs.
Identifiers: ClinVar variation 3754373 (VCV003754373.2).